The following is an entry in ClinVar:

ClinVar aggregate classification (germline): Likely benign. Review status: criteria provided, multiple submitters, no conflicts (2 of 4 stars). 2 submissions from 2 submitters: Likely benign (2). Last evaluated 2024-04-17.

Conditions:
Cornelia de Lange syndrome 1 (CDLS1). Also called: TYPUS DEGENERATIVUS AMSTELODAMENSIS; Brachmann de Lange syndrome; NIPBL-Related Cornelia de Lange Syndrome. Identifiers: Orphanet 199, MedGen C4551851, MONDO:0007387, OMIM 122470.

Allele frequency attached by ClinVar (database versions not stated): gnomAD exomes below 0.00001; ExAC 0.00001; TOPMed 0.00002; gnomAD 0.00003; ESP Exome Variant Server 0.00008.
gnomAD v4.1: 5 of 1,610,590 alleles (0.00031%); highest among the groups gnomAD compares: African/African-American, 0.0067%; no homozygotes.

Submissions (2):

Women's Health and Genetics/Laboratory Corporation of America, LabCorp
Classification: Likely benign. Last evaluated: 2024-04-17. Review status: criteria provided, single submitter. Criteria: LabCorp Variant Classification Summary - May 2015. Collection method: clinical testing. Allele origin: germline.
Comment: Variant summary: NIPBL c.611-8A>G alters a conserved nucleotide located close to a canonical splice site and therefore could affect mRNA splicing, leading to a significantly altered protein sequence. Consensus agreement among computation tools predict no significant impact on normal splicing. However, these predictions have yet to be confirmed by functional studies. The variant allele was found at a frequency of 4e-06 in 250852 control chromosomes (gnomAD v2.1). To our knowledge, no occurrence of c.611-8A>G in individuals affected with Cornelia De Lange Syndrome 1 and no experimental evidence demonstrating its impact on protein function have been reported. ClinVar contains an entry for this variant (Variation ID: 2896789). Based on the evidence outlined above, the variant was classified as likely benign.

Labcorp Genetics (formerly Invitae), Labcorp
Classification: Likely benign for Cornelia de Lange syndrome 1. Last evaluated: 2023-10-29. Review status: criteria provided, single submitter. Criteria: Invitae Variant Classification Sherloc (09022015). Collection method: clinical testing. Allele origin: germline.

NM_133433.4(NIPBL):c.611-8A>G

Gene: NIPBL (NIPBL cohesin loading factor; plus strand). Cytogenetic location: 5p13.2.
Variant type: single nucleotide variant.
Coding change: c.611-8A>G on transcript NM_133433.4 (MANE Select); 8 bases into the intron before coding-DNA position 611, A replaced by G.
Molecular consequence: intron variant.
Genome position (GRCh38, 1-based): chr5:36,970,868, A>G. VCF-style: chr5-36970868-A-G. GRCh37 (hg19) VCF-style: chr5-36970970-A-G.
Other names: c.611-8A>G (NM_015384.5).
Identifiers: ClinVar variation 2896789 (VCV002896789.4), dbSNP rs372555863, ClinGen allele CA3235891.